The following is an entry in ClinVar:

NM_000218.3(KCNQ1):c.925A>G (p.Thr309Ala)

Gene: KCNQ1 (potassium voltage-gated channel subfamily Q member 1; plus strand). Cytogenetic location: 11p15.5.
Variant type: single nucleotide variant.
Coding change: c.925A>G on transcript NM_000218.3 (MANE Select); coding-DNA position 925, A replaced by G.
Protein change: p.Thr309Ala; replaces threonine 309 with alanine.
Molecular consequence: missense variant.
Genome position (GRCh38, 1-based): chr11:2,583,438, A>G. VCF-style: chr11-2583438-A-G. GRCh37 (hg19) VCF-style: chr11-2604668-A-G.
Other names: c.925A>G, p.Thr309Ala (NM_001406836.1); c.655A>G, p.Thr219Ala (NM_001406837.1); c.481A>G, p.Thr161Ala (NM_001406838.1); c.544A>G, p.Thr182Ala (NM_181798.2); short protein forms T161A, T182A, T219A, T309A.
Identifiers: ClinVar variation 4851420 (VCV004851420.1).

ClinVar aggregate classification (germline): Likely pathogenic (1 of 4 stars; one submission).

Conditions:
Long QT syndrome 1 (LQT1). Identifiers: Orphanet 101016, Orphanet 768, MedGen C4551647, MONDO:0100316, OMIM 192500, MONDO:0008646.

Submission:

Institute of Immunology and Genetics Kaiserslautern
Classification: Likely pathogenic for Long QT syndrome 1. Last evaluated: 2026-03-04. Review status: criteria provided, single submitter. Criteria: ACMG Guidelines, 2015. Collection method: clinical testing. Allele origin: germline. Affected: yes.
Comment: ACMG Criteria: PM1, PM2_P, PM5, PP3; Variant was found in heterozygous state.